The following is an entry in ClinVar:

NM_000141.5(FGFR2):c.772C>T (p.Leu258Phe)

Gene: FGFR2 (fibroblast growth factor receptor 2; minus strand). Cytogenetic location: 10q26.13.
Variant type: single nucleotide variant.
Coding change: c.772C>T on transcript NM_000141.5 (MANE Select); coding-DNA position 772, C replaced by T.
Protein change: p.Leu258Phe; replaces leucine 258 with phenylalanine.
Molecular consequence: missense variant. On other transcripts: non-coding transcript variant (1), intron variant (1).
Genome position (GRCh38, 1-based): chr10:121,520,146, G>A on the plus strand (C>T on the coding strand, the complement: FGFR2 is on the minus strand). VCF-style: chr10-121520146-G-A. GRCh37 (hg19) VCF-style: chr10-123279660-G-A.
Other names: c.772C>T, p.Leu258Phe (NM_001144917.2, NM_001320658.2, NM_022970.4 and 1 more transcripts); c.427C>T, p.Leu143Phe (NM_001144918.2, NM_001144916.2); c.505C>T, p.Leu169Phe (NM_001144919.2, NM_023029.3, NM_001144915.2); c.88C>T, p.Leu30Phe (NM_001320654.2); c.749-4827C>T (NM_001144914.1); short protein forms L143F, L169F, L258F, L30F.
Identifiers: ClinVar variation 878704 (VCV000878704.12), dbSNP rs747171741, ClinGen allele CA5721002.

ClinVar aggregate classification (germline): Uncertain significance. Review status: criteria provided, multiple submitters, no conflicts (2 of 4 stars). 8 submissions from 4 submitters: Uncertain significance (8). Last evaluated 2025-04-24.

Conditions:
FGFR2-related craniosynostosis. Identifiers: MedGen CN231480.
Crouzon syndrome. Also called: Craniofacial dysostosis type 1; Crouzon craniofacial dysostosis; Crouzon disease; Craniofacial dysostosis; CRANIOFACIAL DYSOSTOSIS, TYPE I. Identifiers: Orphanet 207, MedGen C0010273, MeSH D003394, MONDO:0007405, OMIM 123500, HP:0004439.
Beare-Stevenson cutis gyrata syndrome (BSTVS). Identifiers: Orphanet 1555, MedGen C1852406, MONDO:0007412, OMIM 123790.
Craniosynostosis syndrome. Also called: Craniosynostosis. Identifiers: Orphanet 1531, MedGen C0010278, MeSH D003398, MONDO:0015469, HP:0001363.
Saethre-Chotzen syndrome (SCS). Also called: ACROCEPHALY, SKULL ASYMMETRY, AND MILD SYNDACTYLY; ACS III; CHOTZEN SYNDROME. Identifiers: Orphanet 794, MedGen C0175699, MONDO:0007042, OMIM 101400.
Isolated Coronal Synostosis. Identifiers: MedGen CN043619.
FGFR2-related disorder. Identifiers: MedGen CN380096.
Bent bone dysplasia syndrome 1 (BBDS1). Also called: FGFR2-related bent bone dysplasia. Identifiers: Orphanet 313855, MedGen C3281247, MONDO:0013815, OMIM 614592.
Levy-Hollister syndrome (LADD). Also called: LADD syndrome. Identifiers: Orphanet 2363, MedGen C0265269, MONDO:0007872.
Jackson-Weiss syndrome (JWS). Also called: CRANIOSYNOSTOSIS, MIDFACIAL HYPOPLASIA, AND FOOT ABNORMALITIES. Identifiers: Orphanet 1540, MedGen C0795998, MONDO:0007400, OMIM 123150. Disease mechanism: loss of function.
Antley-Bixler syndrome without genital anomalies or disordered steroidogenesis (ABS2). Also called: Trapezoidocephaly synostosis syndrome; Osteodysgenesis, multisynostotic with fractures; Antley-Bixler Syndrome, Autosomal Dominant; MULTISYNOSTOTIC OSTEODYSGENESIS WITH LONG BONE FRACTURES. Identifiers: Orphanet 596008, Orphanet 83, MedGen C2936791, MONDO:0020667, OMIM 207410.
Acrocephalosyndactyly type I (ACS1). Also called: Apert syndrome; Acrocephalo-syndactyly type 1; ACS 1; Syndactylic oxycephaly. Identifiers: Orphanet 87, MedGen C0001193, MONDO:0007041, OMIM 101200.
Gastric cancer. Also called: Malignant tumor of stomach; Stomach cancer. Identifiers: MedGen C0024623, MeSH D013274, MONDO:0001056, OMIM 613659, HP:0012126.
Familial scaphocephaly syndrome, McGillivray type. Also called: SCAPHOCEPHALY, MAXILLARY RETRUSION, AND IMPAIRED INTELLECTUAL DEVELOPMENT. Identifiers: Orphanet 168624, MedGen C1865070, MONDO:0012307, OMIM 609579.
Pfeiffer syndrome (ACS5). Also called: ACS V. Identifiers: Orphanet 710, MedGen C0220658, MONDO:0007043, OMIM 101600.

Allele frequency attached by ClinVar (database versions not stated): gnomAD exomes 0.00001 and 0.00004; ExAC 0.00002; gnomAD 0.00003; TOPMed 0.00004.
gnomAD v4.1: 66 of 1,613,768 alleles (0.0041%); highest among the groups gnomAD compares: Non-Finnish European, 0.0054%; no homozygotes.

Submissions (8):

PreventionGenetics, part of Exact Sciences
Classification: Uncertain significance for FGFR2-related condition. Last evaluated: 2025-04-24. Review status: criteria provided, single submitter. Criteria: ACMG Guidelines, 2015. Collection method: clinical testing. Allele origin: germline.
Comment: The FGFR2 c.772C>T variant is predicted to result in the amino acid substitution p.Leu258Phe. To our knowledge, this variant has not been reported in the literature. This variant is reported in 0.0031% of alleles in individuals of European (Non-Finnish) descent in gnomAD. At this time, the clinical significance of this variant is uncertain due to the absence of conclusive functional and genetic evidence.

Labcorp Genetics (formerly Invitae), Labcorp
Classification: Uncertain significance for FGFR2-related craniosynostosis. Last evaluated: 2025-04-16. Review status: criteria provided, single submitter. Criteria: Invitae Variant Classification Sherloc (09022015). Collection method: clinical testing. Allele origin: germline.
Comment: This sequence change replaces leucine, which is neutral and non-polar, with phenylalanine, which is neutral and non-polar, at codon 258 of the FGFR2 protein (p.Leu258Phe). This variant is present in population databases (rs747171741, gnomAD 0.003%). This variant has not been reported in the literature in individuals affected with FGFR2-related conditions. ClinVar contains an entry for this variant (Variation ID: 878704). Invitae Evidence Modeling of protein sequence and biophysical properties (such as structural, functional, and spatial information, amino acid conservation, physicochemical variation, residue mobility, and thermodynamic stability) indicates that this missense variant is not expected to disrupt FGFR2 protein function with a negative predictive value of 80%. In summary, the available evidence is currently insufficient to determine the role of this variant in disease. Therefore, it has been classified as a Variant of Uncertain Significance.

Fulgent Genetics
Classification: Uncertain significance for Acrocephalosyndactyly type I; Saethre-Chotzen syndrome; Pfeiffer syndrome; Jackson-Weiss syndrome; Crouzon syndrome; Beare-Stevenson cutis gyrata syndrome; LADD syndrome 1; Antley-Bixler syndrome without genital anomalies or disordered steroidogenesis; Familial scaphocephaly syndrome, McGillivray type; Gastric cancer; Bent bone dysplasia syndrome 1. Last evaluated: 2022-03-17. Review status: criteria provided, single submitter. Criteria: ACMG Guidelines, 2015. Collection method: clinical testing. Allele origin: unknown.

Illumina Laboratory Services, Illumina
Classification: Uncertain significance for Isolated coronal synostosis. Last evaluated: 2017-04-27. Review status: criteria provided, single submitter. Criteria: ICSL Variant Classification Criteria 13 December 2019. Collection method: clinical testing. Allele origin: germline.

Illumina Laboratory Services, Illumina
Classification: Uncertain significance for Beare-Stevenson cutis gyrata syndrome. Last evaluated: 2017-04-27. Review status: criteria provided, single submitter. Criteria: ICSL Variant Classification Criteria 13 December 2019. Collection method: clinical testing. Allele origin: germline.

Illumina Laboratory Services, Illumina
Classification: Uncertain significance for Craniosynostosis. Last evaluated: 2017-04-27. Review status: criteria provided, single submitter. Criteria: ICSL Variant Classification Criteria 13 December 2019. Collection method: clinical testing. Allele origin: germline.

Illumina Laboratory Services, Illumina
Classification: Uncertain significance for Crouzon syndrome. Last evaluated: 2017-04-27. Review status: criteria provided, single submitter. Criteria: ICSL Variant Classification Criteria 13 December 2019. Collection method: clinical testing. Allele origin: germline.

Illumina Laboratory Services, Illumina
Classification: Uncertain significance for Saethre-Chotzen syndrome. Last evaluated: 2017-04-27. Review status: criteria provided, single submitter. Criteria: ICSL Variant Classification Criteria 13 December 2019. Collection method: clinical testing. Allele origin: germline.